The following is an entry in ClinVar:

ClinVar aggregate classification (germline): Uncertain significance (1 of 4 stars; one submission).

Conditions:
Early-infantile DEE. Also called: Ohtahara syndrome; Early infantile epileptic encephalopathy; Early infantile epileptic encephalopathy with suppression bursts. Identifiers: Orphanet 1934, MedGen C0393706, MONDO:0800491.

Submission:

Labcorp Genetics (formerly Invitae), Labcorp
Classification: Uncertain significance for Early-infantile DEE. Last evaluated: 2018-04-11. Review status: criteria provided, single submitter. Criteria: Invitae Variant Classification Sherloc (09022015). Collection method: clinical testing. Allele origin: germline.
Comment: This sequence change replaces isoleucine with threonine at codon 278 of the SCN1A protein (p.Ile278Thr). The isoleucine residue is weakly conserved and there is a moderate physicochemical difference between isoleucine and threonine. This variant is not present in population databases (ExAC no frequency). This variant has not been reported in the literature in individuals with SCN1A-related disease. Algorithms developed to predict the effect of missense changes on protein structure and function do not agree on the potential impact of this missense change (SIFT: "Deleterious"; PolyPhen-2: "Benign"; Align-GVGD: "Class C25"). In summary, the available evidence is currently insufficient to determine the role of this variant in disease. Therefore, it has been classified as a Variant of Uncertain Significance. This variant identified in the SCN1A gene is located in the extracellular D1-P1 region of the resulting protein (PMID: 25348405, 18804930), but it is unclear how this variant impacts the function of this protein.

Literature cited by the submitters: PubMed 25348405; PubMed 18804930.

NM_001165963.4(SCN1A):c.833T>C (p.Ile278Thr)

Gene: SCN1A (sodium voltage-gated channel alpha subunit 1; minus strand). Cytogenetic location: 2q24.3.
Variant type: single nucleotide variant.
Coding change: c.833T>C on transcript NM_001165963.4 (MANE Select); coding-DNA position 833, T replaced by C.
Protein change: p.Ile278Thr; replaces isoleucine 278 with threonine.
Molecular consequence: missense variant. On other transcripts: 5 prime UTR variant (1), non-coding transcript variant (1).
Genome position (GRCh38, 1-based): chr2:166,051,850, A>G on the plus strand (T>C on the coding strand, the complement: SCN1A is on the minus strand). VCF-style: chr2-166051850-A-G. GRCh37 (hg19) VCF-style: chr2-166908360-A-G.
Other names: c.833T>C, p.Ile278Thr (NM_001165964.3, NM_001202435.3, NM_001353948.2 and 10 more transcripts); c.-1593T>C (NM_001353961.2); short protein forms I278T.
Identifiers: ClinVar variation 567833 (VCV000567833.9), dbSNP rs1559238215, ClinGen allele CA349073073.